The following is an entry in ClinVar:

NM_001267550.2(TTN):c.41298_41302del (p.Glu13766fs)

Gene: TTN (titin; minus strand). Cytogenetic location: 2q31.2.
Variant type: Microsatellite.
Coding change: c.41298_41302del on transcript NM_001267550.2 (MANE Select); coding-DNA positions 41298 to 41302, 5 bases deleted (AAAGA; older notation c.41298_41302delAAAGA).
Protein change: p.Glu13766fs; shifts the reading frame from glutamic acid 13766.
Molecular consequence: frameshift variant.
Genome position (GRCh38, 1-based): chr2:178,636,425-178,636,429, TCTTT deleted on the plus strand (AAAGA on the coding strand, the reverse complement: TTN is on the minus strand); deleting any 5 consecutive bases within chr2:178,636,425-178,636,434 gives the same sequence; the c. name uses the placement nearest the transcript's 3' end. VCF-style (leftmost placement, unchanged base first): chr2-178636424-GTCTTT-G. GRCh37 (hg19) VCF-style: chr2-179501151-GTCTTT-G.
Other names: c.36375_36379del, p.Glu12125fs (NM_001256850.1); c.14103_14107del, p.Glu4701fs (NM_003319.4); c.33594_33598del, p.Glu11198fs (NM_133378.4); c.14478_14482del, p.Glu4826fs (NM_133432.3); c.14679_14683del, p.Glu4893fs (NM_133437.4); short protein forms E12125fs, E4826fs, E13766fs, E4701fs, E4893fs, E11198fs.
Identifiers: ClinVar variation 4787275 (VCV004787275.1).

ClinVar aggregate classification (germline): Likely pathogenic (1 of 4 stars; one submission).

Conditions:
Autosomal recessive limb-girdle muscular dystrophy type 2J (LGMDR10). Also called: Limb-girdle muscular dystrophy, type 2J; MUSCULAR DYSTROPHY, LIMB-GIRDLE, AUTOSOMAL RECESSIVE 10. Identifiers: Orphanet 140922, MedGen C1837342, MONDO:0012127, OMIM 608807.
Dilated cardiomyopathy 1G (CMD1G). Identifiers: Orphanet 154, MedGen C1858763, MONDO:0011400, OMIM 604145.

Submission:

Labcorp Genetics (formerly Invitae), Labcorp
Classification: Likely pathogenic for Dilated cardiomyopathy 1G; Autosomal recessive limb-girdle muscular dystrophy type 2J. Last evaluated: 2026-01-14. Review status: criteria provided, single submitter. Criteria: Invitae Variant Classification Sherloc (09022015). Collection method: clinical testing. Allele origin: germline.
Comment: This sequence change creates a premature translational stop signal (p.Glu13766Aspfs*5) in the TTN gene. While this is not anticipated to result in nonsense mediated decay, it is expected to create a truncated TTN protein. This variant is not present in population databases (gnomAD no frequency). This variant has not been reported in the literature in individuals affected with TTN-related conditions. This variant is located in the I band of TTN (PMID: 25589632). Truncating variants in this region have been reported in individuals affected with autosomal recessive centronuclear myopathy (PMID: 23975875, internal data). Truncating variants in this region have also been identified in individuals affected with autosomal dominant dilated cardiomyopathy and/or cardio-related conditions (PMID: 27869827, 32964742, internal data). In summary, the currently available evidence indicates that the variant is pathogenic, but additional data are needed to prove that conclusively. Therefore, this variant has been classified as Likely Pathogenic.

Literature cited by the submitters: PubMed 25589632; PubMed 23975875; PubMed 27869827; PubMed 32964742.